The following is an entry in ClinVar:

ClinVar aggregate classification (germline): Uncertain significance (1 of 4 stars; one submission).

gnomAD v4.1: 1 of 1,606,876 alleles (0.000062%); highest among the groups gnomAD compares: South Asian, 0.0011%; no homozygotes.

Submission:

GeneDx
Classification: Uncertain significance. Last evaluated: 2025-08-05. Review status: criteria provided, single submitter. Criteria: GeneDx Variant Classification Process June 2021. Collection method: clinical testing. Allele origin: germline. Affected: yes.
Comment: Not observed at significant frequency in large population cohorts (gnomAD); In silico analysis suggests that this missense variant does not alter protein structure/function; Has not been previously published as pathogenic or benign to our knowledge

NM_001079668.3(NKX2-1):c.292T>C (p.Tyr98His)

Genes: NKX2-1 (NK2 homeobox 1; minus strand), SFTA3 (surfactant associated 3; minus strand). Cytogenetic location: 14q13.3.
Variant type: single nucleotide variant.
Coding change: c.292T>C on transcript NM_001079668.3 (MANE Select); coding-DNA position 292, T replaced by C.
Protein change: p.Tyr98His; replaces tyrosine 98 with histidine.
Molecular consequence: missense variant.
Genome position (GRCh38, 1-based): chr14:36,519,156, A>G on the plus strand (T>C on the coding strand, the complement: NKX2-1 is on the minus strand). VCF-style: chr14-36519156-A-G. GRCh37 (hg19) VCF-style: chr14-36988361-A-G.
Other names: c.202T>C, p.Tyr68His (NM_003317.4); short protein forms Y68H, Y98H.
Identifiers: ClinVar variation 4756087 (VCV004756087.1).
Genomic context (GRCh38, chr14:36,519,156, plus strand): 5'-TGCAGTAGCCCCCCACGGCGGAGTGCGAGAGCTGGGGCACCCCCGCCGCCGTCATGTGGT[A>G]GGCGGCGGTGACGGCGCCGTGGTGCCCCACGGCGTGCTGCTGCATGGCCGCTGTTGGCGG-3'
Protein context (NP_001073136.1, residues 88-108): VGHHGAVTAA[Tyr98His]HMTAAGVPQL